The following is an entry in ClinVar:

NM_024675.4(PALB2):c.3243G>C (p.Glu1081Asp)

Gene: PALB2 (partner and localizer of BRCA2; minus strand). Cytogenetic location: 16p12.2.
Variant type: single nucleotide variant.
Coding change: c.3243G>C on transcript NM_024675.4 (MANE Select); coding-DNA position 3243, G replaced by C.
Protein change: p.Glu1081Asp; replaces glutamic acid 1081 with aspartic acid.
Molecular consequence: missense variant.
Genome position (GRCh38, 1-based): chr16:23,607,971, C>G on the plus strand (G>C on the coding strand, the complement: PALB2 is on the minus strand). VCF-style: chr16-23607971-C-G. GRCh37 (hg19) VCF-style: chr16-23619292-C-G.
Other names: short protein forms E1081D.
Identifiers: ClinVar variation 920670 (VCV000920670.10), dbSNP rs1966511593, ClinGen allele CA395139894.

ClinVar aggregate classification (germline): Uncertain significance. Review status: criteria provided, multiple submitters, no conflicts (2 of 4 stars). 2 submissions from 2 submitters: Uncertain significance (2). Last evaluated 2023-12-05.

Conditions:
Hereditary cancer-predisposing syndrome. Also called: Neoplastic Syndromes, Hereditary; Tumor predisposition; Hereditary Cancer Syndrome; Hereditary neoplastic syndrome. Identifiers: Orphanet 140162, MedGen C0027672, MeSH D009386, MONDO:0015356.
Familial cancer of breast. Also called: BREAST CANCER, FAMILIAL; Hereditary breast cancer; hereditary breast carcinoma. Identifiers: Orphanet 227535, MedGen C0346153, MONDO:0016419, OMIM 114480. Disease mechanism: loss of function.

Submissions (2):

Color Diagnostics, LLC DBA Color Health
Classification: Uncertain significance for Hereditary cancer-predisposing syndrome. Last evaluated: 2023-12-05. Review status: criteria provided, single submitter. Criteria: ACMG Guidelines, 2015. Collection method: clinical testing. Allele origin: germline.
Comment: This missense variant replaces glutamic acid with aspartic acid at codon 1081 of the PALB2 protein. Computational prediction suggests that this variant may not impact protein structure and function (internally defined REVEL score threshold <= 0.5, PMID: 27666373). To our knowledge, functional studies have not been reported for this variant. This variant has not been reported in individuals affected with PALB2-related disorders in the literature. This variant has not been identified in the general population by the Genome Aggregation Database (gnomAD). The available evidence is insufficient to determine the role of this variant in disease conclusively. Therefore, this variant is classified as a Variant of Uncertain Significance.

Labcorp Genetics (formerly Invitae), Labcorp
Classification: Uncertain significance for Familial cancer of breast. Last evaluated: 2022-07-23. Review status: criteria provided, single submitter. Criteria: Invitae Variant Classification Sherloc (09022015). Collection method: clinical testing. Allele origin: germline.
Comment: In summary, the available evidence is currently insufficient to determine the role of this variant in disease. Therefore, it has been classified as a Variant of Uncertain Significance. Algorithms developed to predict the effect of missense changes on protein structure and function output the following: SIFT: "Tolerated"; PolyPhen-2: "Benign"; Align-GVGD: "Class C0". The aspartic acid amino acid residue is found in multiple mammalian species, which suggests that this missense change does not adversely affect protein function. ClinVar contains an entry for this variant (Variation ID: 920670). This variant has not been reported in the literature in individuals affected with PALB2-related conditions. This variant is not present in population databases (gnomAD no frequency). This sequence change replaces glutamic acid, which is acidic and polar, with aspartic acid, which is acidic and polar, at codon 1081 of the PALB2 protein (p.Glu1081Asp).